The following is an entry in ClinVar:

ClinVar aggregate classification (germline): Uncertain significance (1 of 4 stars; one submission).

gnomAD v4.1: 21 of 1,613,942 alleles (0.0013%); highest among the groups gnomAD compares: African/African-American, 0.008%; no homozygotes.

Submission:

Labcorp Genetics (formerly Invitae), Labcorp
Classification: Uncertain significance. Last evaluated: 2025-07-30. Review status: criteria provided, single submitter. Criteria: Invitae Variant Classification Sherloc (09022015). Collection method: clinical testing. Allele origin: germline.
Comment: This sequence change replaces arginine, which is basic and polar, with tryptophan, which is neutral and slightly polar, at codon 4839 of the HMCN1 protein (p.Arg4839Trp). The frequency data for this variant in the population databases is considered unreliable, as metrics indicate poor data quality at this position in the gnomAD database. This variant has not been reported in the literature in individuals affected with HMCN1-related conditions. An algorithm developed to predict the effect of missense changes on protein structure and function (PolyPhen-2) suggests that this variant is likely to be disruptive. In summary, the available evidence is currently insufficient to determine the role of this variant in disease. Therefore, it has been classified as a Variant of Uncertain Significance.

NM_031935.3(HMCN1):c.14515C>T (p.Arg4839Trp)

Gene: HMCN1 (hemicentin 1; plus strand). Cytogenetic location: 1q31.1.
Variant type: single nucleotide variant.
Coding change: c.14515C>T on transcript NM_031935.3 (MANE Select); coding-DNA position 14515, C replaced by T.
Protein change: p.Arg4839Trp; replaces arginine 4839 with tryptophan.
Molecular consequence: missense variant.
Genome position (GRCh38, 1-based): chr1:186,145,830, C>T. VCF-style: chr1-186145830-C-T. GRCh37 (hg19) VCF-style: chr1-186114962-C-T.
Other names: short protein forms R4839W.
Identifiers: ClinVar variation 4692506 (VCV004692506.1).